The following is an entry in ClinVar:

ClinVar aggregate classification (germline): Conflicting classifications of pathogenicity. Review status: criteria provided, conflicting classifications (1 of 4 stars). 3 submissions from 3 submitters: Likely pathogenic (2); Uncertain significance (1). Last evaluated 2025-05-30.

Conditions:
Autosomal recessive nonsyndromic hearing loss 35. Identifiers: Orphanet 90636, MedGen C1837857, MONDO:0012060, OMIM 608565.

Allele frequency attached by ClinVar (database versions not stated): ExAC 0.00001; gnomAD exomes 0.00006; gnomAD 0.00013 and 0.00014; TOPMed 0.00026.
gnomAD v4.1: 55 of 1,613,310 alleles (0.0034%); highest among the groups gnomAD compares: Admixed American, 0.062%; no homozygotes.

Submissions (3):

First Genomix Gene Laboratory, Genetic Diagnostics Department
Classification: Likely pathogenic for Autosomal recessive nonsyndromic hearing loss 35. Last evaluated: 2025-05-30. Review status: criteria provided, single submitter. Criteria: ACMG Guidelines, 2015. Collection method: clinical testing. Allele origin: germline. Inheritance: Autosomal recessive inheritance. Affected: no. Observed: 1 variant allele.

Labcorp Genetics (formerly Invitae), Labcorp
Classification: Likely pathogenic. Last evaluated: 2022-07-15. Review status: criteria provided, single submitter. Criteria: Invitae Variant Classification Sherloc (09022015). Collection method: clinical testing. Allele origin: germline.
Comment: This variant is present in population databases (rs546495818, gnomAD 0.04%). In summary, the currently available evidence indicates that the variant is pathogenic, but additional data are needed to prove that conclusively. Therefore, this variant has been classified as Likely Pathogenic. Algorithms developed to predict the effect of sequence changes on RNA splicing suggest that this variant may disrupt the consensus splice site. ClinVar contains an entry for this variant (Variation ID: 1313365). This variant has not been reported in the literature in individuals affected with ESRRB-related conditions. This sequence change affects a donor splice site in intron 9 of the ESRRB gene. It is expected to disrupt RNA splicing. Variants that disrupt the donor or acceptor splice site typically lead to a loss of protein function (PMID: 16199547), and loss-of-function variants in ESRRB are known to be pathogenic (PMID: 18179891).

GeneDx
Classification: Uncertain significance. Last evaluated: 2020-11-02. Review status: criteria provided, single submitter. Criteria: GeneDx Variant Classification Process June 2021. Collection method: clinical testing. Allele origin: germline. Affected: yes.
Comment: Canonical splice site variant predicted to result in a null allele in a gene for which loss-of-function is a known mechanism of disease; Has not been previously published as pathogenic or benign to our knowledge

Literature cited by the submitters: PubMed 16199547 (cited by Labcorp Genetics (formerly Invitae), Labcorp); PubMed 18179891 (cited by Labcorp Genetics (formerly Invitae), Labcorp).

NM_001379180.1(ESRRB):c.1360G>C (p.Val454Leu)

Gene: ESRRB (estrogen related receptor beta; plus strand). Cytogenetic location: 14q24.3.
Variant type: single nucleotide variant.
Coding change: c.1360G>C on transcript NM_001379180.1 (MANE Select); coding-DNA position 1360, G replaced by C.
Protein change: p.Val454Leu; replaces valine 454 with leucine.
Molecular consequence: missense variant. On other transcripts: splice donor variant (1).
Genome position (GRCh38, 1-based): chr14:76,498,453, G>C. VCF-style: chr14-76498453-G-C. GRCh37 (hg19) VCF-style: chr14-76964796-G-C.
Other names: c.1312G>C, p.Val438Leu (NM_001411038.1); c.1296+1G>C (NM_004452.4); short protein forms V454L, V438L.
Identifiers: ClinVar variation 1313365 (VCV001313365.7), dbSNP rs546495818, ClinGen allele CA7281819.
Genomic context (GRCh38, chr14:76,498,453, plus strand): 5'-GTCAAACTGCAGGGCAAAGTGCCCATGCACAAACTCTTCCTGGAGATGCTGGAGGCCAAG[G>C]TGTGATGGCCCCGCACACGGACCAATGCCCACCTACAGACAGACAAACGGACAGACCGAG-3'
Protein context (NP_001366109.1, residues 444-454): KLFLEMLEAK[Val454Leu]